The following is an entry in ClinVar:

ClinVar aggregate classification (germline): Uncertain significance. Review status: criteria provided, multiple submitters, no conflicts (2 of 4 stars). 2 submissions from 2 submitters: Uncertain significance (2). Last evaluated 2025-10-13.

gnomAD v4.1: 47 of 1,610,972 alleles (0.0029%); highest among the groups gnomAD compares: Middle Eastern, 0.017%; no homozygotes.

Submissions (2):

Labcorp Genetics (formerly Invitae), Labcorp
Classification: Uncertain significance. Last evaluated: 2025-10-13. Review status: criteria provided, single submitter. Criteria: Invitae Variant Classification Sherloc (09022015). Collection method: clinical testing. Allele origin: germline.
Comment: This sequence change replaces leucine, which is neutral and non-polar, with phenylalanine, which is neutral and non-polar, at codon 50 of the EXOSC8 protein (p.Leu50Phe). This variant is present in population databases (rs781130378, gnomAD 0.003%). This variant has not been reported in the literature in individuals affected with EXOSC8-related conditions. ClinVar contains an entry for this variant (Variation ID: 3705827). Invitae Evidence Modeling of protein sequence and biophysical properties (such as structural, functional, and spatial information, amino acid conservation, physicochemical variation, residue mobility, and thermodynamic stability) indicates that this missense variant is not expected to disrupt EXOSC8 protein function with a negative predictive value of 80%. In summary, the available evidence is currently insufficient to determine the role of this variant in disease. Therefore, it has been classified as a Variant of Uncertain Significance.

Ambry Genetics
Classification: Uncertain significance. Last evaluated: 2025-10-08. Review status: criteria provided, single submitter. Criteria: Ambry Variant Classification Scheme 2023. Collection method: clinical testing. Allele origin: germline.

NM_181503.3(EXOSC8):c.150A>T (p.Leu50Phe)

Gene: EXOSC8 (exosome component 8; plus strand). Cytogenetic location: 13q13.3.
Variant type: single nucleotide variant.
Coding change: c.150A>T on transcript NM_181503.3 (MANE Select); coding-DNA position 150, A replaced by T.
Protein change: p.Leu50Phe; replaces leucine 50 with phenylalanine.
Molecular consequence: missense variant.
Genome position (GRCh38, 1-based): chr13:37,002,965, A>T. VCF-style: chr13-37002965-A-T. GRCh37 (hg19) VCF-style: chr13-37577102-A-T.
Other names: c.150A>T (NM_181503.2); short protein forms L50F.
Identifiers: ClinVar variation 3705827 (VCV003705827.3).